The following is an entry in ClinVar:

ClinVar aggregate classification (germline): Uncertain significance. Review status: criteria provided, multiple submitters, no conflicts (2 of 4 stars). 2 submissions from 2 submitters: Uncertain significance (2). Last evaluated 2024-11-06.

Allele frequency attached by ClinVar (database versions not stated): gnomAD exomes below 0.00001.

Submissions (2):

Labcorp Genetics (formerly Invitae), Labcorp
Classification: Uncertain significance. Last evaluated: 2024-11-06. Review status: criteria provided, single submitter. Criteria: Invitae Variant Classification Sherloc (09022015). Collection method: clinical testing. Allele origin: germline.
Comment: This sequence change replaces glutamic acid, which is acidic and polar, with lysine, which is basic and polar, at codon 191 of the GNA11 protein (p.Glu191Lys). This variant is not present in population databases (gnomAD no frequency). This variant has not been reported in the literature in individuals affected with GNA11-related conditions. ClinVar contains an entry for this variant (Variation ID: 451089). Invitae Evidence Modeling of protein sequence and biophysical properties (such as structural, functional, and spatial information, amino acid conservation, physicochemical variation, residue mobility, and thermodynamic stability) indicates that this missense variant is expected to disrupt GNA11 protein function with a positive predictive value of 80%. In summary, the available evidence is currently insufficient to determine the role of this variant in disease. Therefore, it has been classified as a Variant of Uncertain Significance.

GeneDx
Classification: Uncertain significance. Last evaluated: 2020-07-29. Review status: criteria provided, single submitter. Criteria: GeneDx Variant Classification Process June 2021. Collection method: clinical testing. Allele origin: germline. Affected: yes.
Comment: In silico analysis supports that this missense variant has a deleterious effect on protein structure/function; Has not been previously published as pathogenic or benign to our knowledge

NM_002067.5(GNA11):c.571G>A (p.Glu191Lys)

Gene: GNA11 (G protein subunit alpha 11; plus strand). Cytogenetic location: 19p13.3.
Variant type: single nucleotide variant.
Coding change: c.571G>A on transcript NM_002067.5 (MANE Select); coding-DNA position 571, G replaced by A.
Protein change: p.Glu191Lys; replaces glutamic acid 191 with lysine.
Molecular consequence: missense variant.
Genome position (GRCh38, 1-based): chr19:3,115,038, G>A. VCF-style: chr19-3115038-G-A. GRCh37 (hg19) VCF-style: chr19-3115036-G-A.
Other names: short protein forms E191K.
Identifiers: ClinVar variation 451089 (VCV000451089.6), dbSNP rs1317391449, ClinGen allele CA403308094.
Genomic context (GRCh38, chr19:3,115,038, plus strand): 5'-GGCTACCTGCCCACCCAGCAGGACGTGCTGCGGGTCCGCGTGCCCACCACCGGCATCATC[G>A]AGTACCCTTTCGACCTGGAGAACATCATCTTCCGGTACCGCCCGGGCCACAGCAGGCGGG-3'
Protein context (NP_002058.2, residues 181-201): RVRVPTTGII[Glu191Lys]YPFDLENIIF